The following is an entry in ClinVar:

NM_020911.2(PLXNA4):c.1005C>T (p.Leu335=)

Gene: PLXNA4 (plexin A4; minus strand). Cytogenetic location: 7q32.3.
Variant type: single nucleotide variant.
Coding change: c.1005C>T on transcript NM_020911.2 (MANE Select); coding-DNA position 1005, C replaced by T.
Protein change: p.Leu335=; no amino-acid change (leucine 335 retained).
Molecular consequence: synonymous variant.
Genome position (GRCh38, 1-based): chr7:132,507,689, G>A on the plus strand (C>T on the coding strand, the complement: PLXNA4 is on the minus strand). VCF-style: chr7-132507689-G-A. GRCh37 (hg19) VCF-style: chr7-132192448-G-A.
Other names: c.1005C>T, p.Leu335= (NM_001105543.2, NM_001393897.1, NM_181775.4).
Identifiers: ClinVar variation 3353782 (VCV003353782.1).
Genomic context (GRCh38, chr7:132,507,689, plus strand): 5'-CAGGGCCGACTCATCCAGGGATTTCATTTTCCGCTTCTGGCCCTTGGAGAAGACGGTGAA[G>A]AGCAGGTCATCATCTGGATGGACTCCAAGGGTCCTGCCAAGCACGGCCCCCGCTTTGGAC-3'
Protein context (NP_065962.1, residues 325-345): TLGVHPDDDL[Leu335=]FTVFSKGQKR

ClinVar aggregate classification (germline): Likely benign (0 of 4 stars; one submission).

Conditions:
PLXNA4-related disorder. Also called: PLXNA4-related condition.

gnomAD v4.1: 2 of 1,614,108 alleles (0.00012%); highest among the groups gnomAD compares: Non-Finnish European, 0.00017%; no homozygotes.

Submission:

PreventionGenetics, part of Exact Sciences
Classification: Likely benign for PLXNA4-related condition. Last evaluated: 2023-12-05. Review status: no assertion criteria provided. Collection method: clinical testing. Allele origin: germline.
Comment: This variant is classified as likely benign based on ACMG/AMP sequence variant interpretation guidelines (Richards et al. 2015 PMID: 25741868, with internal and published modifications).